The following is an entry in ClinVar:

ClinVar aggregate classification (germline): Uncertain significance (1 of 4 stars; one submission).

Conditions:
Autoimmune lymphoproliferative syndrome type 2A (ALPS2A). Also called: AUTOIMMUNE LYMPHOPROLIFERATIVE SYNDROME, TYPE IIA; CASP10-Related Autoimmune Lymphoproliferative Syndrome; Autoimmune lymphoproliferative syndrome type 2. Identifiers: Orphanet 3261, MedGen C1858968, MONDO:0011383, OMIM 603909.

Allele frequency attached by ClinVar (database versions not stated): gnomAD exomes below 0.00001.

Submission:

Labcorp Genetics (formerly Invitae), Labcorp
Classification: Uncertain significance for Autoimmune lymphoproliferative syndrome type 2A. Last evaluated: 2022-03-23. Review status: criteria provided, single submitter. Criteria: Invitae Variant Classification Sherloc (09022015). Collection method: clinical testing. Allele origin: germline.
Comment: This sequence change creates a premature translational stop signal (p.Gln229*) in the CASP10 gene. It is expected to result in an absent or disrupted protein product. However, the current clinical and genetic evidence is not sufficient to establish whether loss-of-function variants in CASP10 cause disease. This variant is not present in population databases (gnomAD no frequency). In summary, the available evidence is currently insufficient to determine the role of this variant in disease. Therefore, it has been classified as a Variant of Uncertain Significance. Algorithms developed to predict the effect of sequence changes on RNA splicing suggest that this variant may disrupt the consensus splice site. This variant has not been reported in the literature in individuals affected with CASP10-related conditions.

NM_032977.4(CASP10):c.685C>T (p.Gln229Ter)

Gene: CASP10 (caspase 10; plus strand). Cytogenetic location: 2q33.1.
Variant type: single nucleotide variant.
Coding change: c.685C>T on transcript NM_032977.4 (MANE Select); coding-DNA position 685, C replaced by T.
Protein change: p.Gln229Ter; replaces glutamine 229 with a stop codon.
Molecular consequence: nonsense. On other transcripts: intron variant (2).
Genome position (GRCh38, 1-based): chr2:201,203,730, C>T. VCF-style: chr2-201203730-C-T. GRCh37 (hg19) VCF-style: chr2-202068453-C-T.
Other names: c.685C>T, p.Gln229Ter (NM_001206524.2, NM_032974.5, NM_032976.4); c.685-4345C>T (NM_001206542.2, NM_001230.5); short protein forms Q229*.
Identifiers: ClinVar variation 1485474 (VCV001485474.6), dbSNP rs2126038202, ClinGen allele CA350282668.
Genomic context (GRCh38, chr2:201,203,730, plus strand): 5'-GTTCCTCATCCTAACTGTGTGAAATTCCTATGTTTCATGCCCTCCTTTCTTTTTTCTCAG[C>T]AGGAGTCCTGGCAAAATAAGCATGCAGGTAGTAATGGTAGGTATTTCTAATGTACTTTTT-3'